The following is an entry in ClinVar:

NM_004672.5(MAP3K6):c.3259-10C>T

Gene: MAP3K6 (mitogen-activated protein kinase kinase kinase 6; minus strand). Cytogenetic location: 1p36.11.
Variant type: single nucleotide variant.
Coding change: c.3259-10C>T on transcript NM_004672.5 (MANE Select); 10 bases into the intron before coding-DNA position 3259, C replaced by T.
Molecular consequence: intron variant.
Genome position (GRCh38, 1-based): chr1:27,357,124, G>A on the plus strand (C>T on the coding strand, the complement: MAP3K6 is on the minus strand). VCF-style: chr1-27357124-G-A. GRCh37 (hg19) VCF-style: chr1-27683615-G-A.
Other names: c.3235-10C>T (NM_001297609.2).
Identifiers: ClinVar variation 3037546 (VCV003037546.2), dbSNP rs111568119, ClinGen allele CA713114.

ClinVar aggregate classification (germline): Benign (0 of 4 stars; one submission).

Conditions:
MAP3K6-related disorder. Also called: MAP3K6-related condition.

Allele frequency attached by ClinVar (database versions not stated): ExAC 0.04679; 1000 Genomes Project 0.09685; ESP Exome Variant Server 0.09711; 1000 Genomes Project 30x 0.10322.
gnomAD v4.1: 65,718 of 1,609,930 alleles (4.1%); highest among the groups gnomAD compares: African/African-American, 25%; 3,276 homozygotes.

Submission:

PreventionGenetics, part of Exact Sciences
Classification: Benign for MAP3K6-related condition. Last evaluated: 2019-12-23. Review status: no assertion criteria provided. Collection method: clinical testing. Allele origin: germline.
Comment: This variant is classified as benign based on ACMG/AMP sequence variant interpretation guidelines (Richards et al. 2015 PMID: 25741868, with internal and published modifications).